The following is an entry in ClinVar:

ClinVar aggregate classification (germline): Likely pathogenic (1 of 4 stars; one submission).

Conditions:
Familial hypobetalipoproteinemia 1. Also called: APOB-Related Familial Hypobetalipoproteinemia; Hypobetalipoproteinemia, normotriglyceridemic; Acanthocytosis with hypobetalipoproteinemia. Identifiers: MedGen C4551990, MONDO:0014252, OMIM 615558.
Hypercholesterolemia, autosomal dominant, type B (FHCL2). Also called: APOLIPOPROTEIN B-100, FAMILIAL DEFECTIVE; APOLIPOPROTEIN B-100, FAMILIAL LIGAND-DEFECTIVE; HYPERCHOLESTEROLEMIA, FAMILIAL, DUE TO LIGAND-DEFECTIVE APOLIPOPROTEIN B; Familial hypercholesterolemia 2; APOB-Related Familial Hypercholesterolemia, Autosomal Dominant; Familial Hypercholesterolemia Type B. Identifiers: MedGen C1704417, MONDO:0007751, OMIM 144010.

Submission:

Juno Genomics, Hangzhou Juno Genomics, Inc
Classification: Likely pathogenic for Hypercholesterolemia, autosomal dominant, type B; Familial hypobetalipoproteinemia 1. Review status: criteria provided, single submitter. Criteria: ACMG Guidelines, 2015. Collection method: clinical testing. Allele origin: germline.
Comment: Absent from controls (or at extremely low frequency if recessive) in Genome Aggregation Database.;Null variant in a gene where loss of function (LOF) is a known mechanism of disease.

NM_000384.3(APOB):c.4578C>A (p.Tyr1526Ter)

Gene: APOB (apolipoprotein B; minus strand). Cytogenetic location: 2p24.1.
Variant type: single nucleotide variant.
Coding change: c.4578C>A on transcript NM_000384.3 (MANE Select); coding-DNA position 4578, C replaced by A.
Protein change: p.Tyr1526Ter; replaces tyrosine 1526 with a stop codon.
Molecular consequence: nonsense.
Genome position (GRCh38, 1-based): chr2:21,012,290, G>T on the plus strand (C>A on the coding strand, the complement: APOB is on the minus strand). VCF-style: chr2-21012290-G-T. GRCh37 (hg19) VCF-style: chr2-21235162-G-T.
Other names: short protein forms Y1526*.
Identifiers: ClinVar variation 3382837 (VCV003382837.3).
Genomic context (GRCh38, chr2:21,012,290, plus strand): 5'-GGAGGTGAGGGAGAGGGTTCCATCTTCATATCTTCCTGTTATCTGGTTGGTGCCTTGGAG[G>T]TAGGAGGAGTTAAACCTCAGGTTGGACTCTCCATTGAGCCGGCCAGTGTTAGGATCCCTC-3'